The following is an entry in ClinVar:

ClinVar aggregate classification (germline): Uncertain significance (1 of 4 stars; one submission).

Conditions:
Rubinstein-Taybi syndrome due to EP300 haploinsufficiency. Also called: EP300-Related Rubinstein-Taybi Syndrome; RUBINSTEIN-TAYBI SYNDROME 2. Identifiers: Orphanet 353284, Orphanet 783, MedGen C3150941, MONDO:0013364, OMIM 613684.

Submission:

Labcorp Genetics (formerly Invitae), Labcorp
Classification: Uncertain significance for Rubinstein-Taybi syndrome due to EP300 haploinsufficiency. Last evaluated: 2025-01-08. Review status: criteria provided, single submitter. Criteria: Invitae Variant Classification Sherloc (09022015). Collection method: clinical testing. Allele origin: germline.
Comment: This sequence change replaces glutamic acid, which is acidic and polar, with glutamine, which is neutral and polar, at codon 1416 of the EP300 protein (p.Glu1416Gln). This variant is not present in population databases (gnomAD no frequency). This variant has not been reported in the literature in individuals affected with EP300-related conditions. Invitae Evidence Modeling of protein sequence and biophysical properties (such as structural, functional, and spatial information, amino acid conservation, physicochemical variation, residue mobility, and thermodynamic stability) indicates that this missense variant is expected to disrupt EP300 protein function with a positive predictive value of 80%. In summary, the available evidence is currently insufficient to determine the role of this variant in disease. Therefore, it has been classified as a Variant of Uncertain Significance.

NM_001429.4(EP300):c.4246G>C (p.Glu1416Gln)

Gene: EP300 (EP300 lysine acetyltransferase; plus strand). Cytogenetic location: 22q13.2.
Variant type: single nucleotide variant.
Coding change: c.4246G>C on transcript NM_001429.4 (MANE Select); coding-DNA position 4246, G replaced by C.
Protein change: p.Glu1416Gln; replaces glutamic acid 1416 with glutamine.
Molecular consequence: missense variant.
Genome position (GRCh38, 1-based): chr22:41,169,576, G>C. VCF-style: chr22-41169576-G-C. GRCh37 (hg19) VCF-style: chr22-41565580-G-C.
Other names: c.4168G>C, p.Glu1390Gln (NM_001362843.2); short protein forms E1416Q, E1390Q.
Identifiers: ClinVar variation 3666165 (VCV003666165.2).
Genomic context (GRCh38, chr22:41,169,576, plus strand): 5'-TCTTACCTCGATAGTGTTCATTTCTTCCGTCCTAAATGCTTGAGGACTGCAGTCTATCAT[G>C]AAATCCTAATTGGATATTTAGAATATGTCAAGAAATTAGGGTAAGCATATTTTGATAATG-3'
Protein context (NP_001420.2, residues 1406-1426): PKCLRTAVYH[Glu1416Gln]ILIGYLEYVK